The following is an entry in ClinVar:

ClinVar aggregate classification (germline): Uncertain significance (1 of 4 stars; one submission).

Conditions:
Combined immunodeficiency due to DOCK8 deficiency (HIES2). Also called: HIES autosomal recessive; HYPER-IgE RECURRENT INFECTION SYNDROME 2, AUTOSOMAL RECESSIVE; HYPER-IgE SYNDROME 2, AUTOSOMAL RECESSIVE, WITH RECURRENT INFECTIONS; DOCK8 Deficiency; Hyper-IgE recurrent infection syndrome, autosomal recessive. Identifiers: Orphanet 217390, MedGen C4722305, MONDO:0009478, OMIM 243700.

Submission:

Labcorp Genetics (formerly Invitae), Labcorp
Classification: Uncertain significance for Hyperimmunoglobulin E recurrent infection syndrome, autosomal recessive. Last evaluated: 2018-02-20. Review status: criteria provided, single submitter. Criteria: Invitae Variant Classification Sherloc (09022015). Collection method: clinical testing. Allele origin: germline.
Comment: This sequence change replaces valine with leucine at codon 614 of the DOCK8 protein (p.Val614Leu). The valine residue is moderately conserved and there is a small physicochemical difference between valine and leucine. This variant is not present in population databases (ExAC no frequency). This variant has not been reported in the literature in individuals with DOCK8-related disease. Algorithms developed to predict the effect of missense changes on protein structure and function (SIFT, PolyPhen-2, Align-GVGD) all suggest that this variant is likely to be tolerated, but these predictions have not been confirmed by published functional studies and their clinical significance is uncertain. In summary, the available evidence is currently insufficient to determine the role of this variant in disease. Therefore, it has been classified as a Variant of Uncertain Significance.

NM_203447.4(DOCK8):c.1840G>C (p.Val614Leu)

Gene: DOCK8 (dedicator of cytokinesis 8; plus strand). Cytogenetic location: 9p24.3.
Variant type: single nucleotide variant.
Coding change: c.1840G>C on transcript NM_203447.4 (MANE Select); coding-DNA position 1840, G replaced by C.
Protein change: p.Val614Leu; replaces valine 614 with leucine.
Molecular consequence: missense variant.
Genome position (GRCh38, 1-based): chr9:370,272, G>C. VCF-style: chr9-370272-G-C. GRCh37 (hg19) VCF-style: chr9-370272-G-C.
Other names: c.1636G>C, p.Val546Leu (NM_001190458.2, NM_001193536.2); short protein forms V614L, V546L.
Identifiers: ClinVar variation 575712 (VCV000575712.1), dbSNP rs772385663, ClinGen allele CA372760973.